The following is an entry in ClinVar:

ClinVar aggregate classification (germline): Uncertain significance. Review status: criteria provided, multiple submitters, no conflicts (2 of 4 stars). 3 submissions from 3 submitters: Uncertain significance (2). 1 of the submissions does not count toward it. Last evaluated 2023-06-19.

Conditions:
STT3A-related disorder. Also called: STT3A-related condition.

Allele frequency attached by ClinVar (database versions not stated): ExAC 0.00001; gnomAD exomes 0.00001; gnomAD 0.00011 and 0.00012; TOPMed 0.00012.
gnomAD v4.1: 29 of 1,607,988 alleles (0.0018%); highest among the groups gnomAD compares: African/African-American, 0.035%; no homozygotes.

Submissions (3):

Greenwood Genetic Center Diagnostic Laboratories, Greenwood Genetic Center
Classification: Uncertain significance. Last evaluated: 2023-06-19. Review status: criteria provided, single submitter. Criteria: ACMG Guidelines, 2015. Collection method: clinical testing. Allele origin: germline. Affected: yes.
Comment: PM2

Labcorp Genetics (formerly Invitae), Labcorp
Classification: Uncertain significance. Last evaluated: 2021-06-19. Review status: criteria provided, single submitter. Criteria: Invitae Variant Classification Sherloc (09022015). Collection method: clinical testing. Allele origin: germline.
Comment: This sequence change falls in intron 8 of the STT3A gene. It does not directly change the encoded amino acid sequence of the STT3A protein. It affects a nucleotide within the consensus splice site of the intron. This variant is present in population databases (rs767197223, ExAC 0.01%). This variant has not been reported in the literature in individuals with STT3A-related conditions. Nucleotide substitutions within the consensus splice site are a relatively common cause of aberrant splicing (PMID: 17576681, 9536098). Algorithms developed to predict the effect of sequence changes on RNA splicing suggest that this variant is not likely to affect RNA splicing, but this prediction has not been confirmed by published transcriptional studies. In summary, the available evidence is currently insufficient to determine the role of this variant in disease. Therefore, it has been classified as a Variant of Uncertain Significance.

PreventionGenetics, part of Exact Sciences
Classification: Likely benign for STT3A-related condition. Last evaluated: 2020-01-03. Review status: no assertion criteria provided. Collection method: clinical testing. Allele origin: germline. Not counted in ClinVar's aggregate classification.
Comment: This variant is classified as likely benign based on ACMG/AMP sequence variant interpretation guidelines (Richards et al. 2015 PMID: 25741868, with internal and published modifications).

Literature cited by the submitters: PubMed 17576681 (cited by Labcorp Genetics (formerly Invitae), Labcorp); PubMed 9536098 (cited by Labcorp Genetics (formerly Invitae), Labcorp).

NM_152713.5(STT3A):c.615+6T>C

Gene: STT3A (STT3 oligosaccharyltransferase complex catalytic subunit A; plus strand). Cytogenetic location: 11q24.2.
Variant type: single nucleotide variant.
Coding change: c.615+6T>C on transcript NM_152713.5 (MANE Select); 6 bases into the intron after coding-DNA position 615, T replaced by C.
Molecular consequence: intron variant.
Genome position (GRCh38, 1-based): chr11:125,605,741, T>C. VCF-style: chr11-125605741-T-C. GRCh37 (hg19) VCF-style: chr11-125475636-T-C.
Other names: c.615+6T>C (NM_001278503.2, NM_001278503.1); c.339+6T>C (NM_001278504.2).
Identifiers: ClinVar variation 1414073 (VCV001414073.5), dbSNP rs767197223, ClinGen allele CA6348884.